The following is an entry in ClinVar:

NM_024747.6(HPS6):c.733C>T (p.Arg245Ter)

Gene: HPS6 (HPS6 biogenesis of lysosomal organelles complex 2 subunit 3; plus strand). Cytogenetic location: 10q24.32.
Variant type: single nucleotide variant.
Coding change: c.733C>T on transcript NM_024747.6 (MANE Select); coding-DNA position 733, C replaced by T.
Protein change: p.Arg245Ter; replaces arginine 245 with a stop codon.
Molecular consequence: nonsense.
Genome position (GRCh38, 1-based): chr10:102,066,207, C>T. VCF-style: chr10-102066207-C-T. GRCh37 (hg19) VCF-style: chr10-103825964-C-T.
Other names: c.733C>T (NM_024747.5); short protein forms R245*.
Identifiers: ClinVar variation 1422405 (VCV001422405.6), dbSNP rs2136334244, ClinGen allele CA377858641.
Genomic context (GRCh38, chr10:102,066,207, plus strand): 5'-AAAGTGATGGTGGCTGCCCCACGGCTTGGTCTCTCCTACAGTAAGAGTCTGAATCCTGGA[C>T]GAGGGGACACATGGGACTTCCGGACCCTGCTCCGAGGCCTTCCTGGGTTGCTGTCCCCCA-3'

ClinVar aggregate classification (germline): Pathogenic/Likely pathogenic. Review status: criteria provided, multiple submitters, no conflicts (2 of 4 stars). 2 submissions from 2 submitters: Pathogenic (1); Likely pathogenic (1). Last evaluated 2023-03-03.

Conditions:
Hermansky-Pudlak syndrome (HPS). Also called: ALBINISM WITH HEMORRHAGIC DIATHESIS AND PIGMENTED RETICULOENDOTHELIAL CELLS. Identifiers: Orphanet 79430, MedGen C0079504, MONDO:0019312.

Submissions (2):

Women's Health and Genetics/Laboratory Corporation of America, LabCorp
Classification: Likely pathogenic for Hermansky-Pudlak syndrome. Last evaluated: 2023-03-03. Review status: criteria provided, single submitter. Criteria: LabCorp Variant Classification Summary - May 2015. Collection method: clinical testing. Allele origin: germline.
Comment: Variant summary: HPS6 c.733C>T (p.Arg245X) results in a premature termination codon that is not expected to cause nonsense mediated decay (NMD), but is predicted to cause a truncation, removing a large part of the 775 amino acid long protein (InterPro). Truncations downstream of this position have been reported in affected individuals (HGMD). The variant was absent in 250588 control chromosomes (gnomAD). To our knowledge, no occurrence of c.733C>T in individuals affected with Hermansky-Pudlak Syndrome and no experimental evidence demonstrating its impact on protein function have been reported. One submitter has provided a clinical-significance assessment for this variant to ClinVar after 2014, and classified the variant as pathogenic. Based on the evidence outlined above, the variant was classified as likely pathogenic.

Labcorp Genetics (formerly Invitae), Labcorp
Classification: Pathogenic. Last evaluated: 2022-09-27. Review status: criteria provided, single submitter. Criteria: Invitae Variant Classification Sherloc (09022015). Collection method: clinical testing. Allele origin: germline.
Comment: This sequence change creates a premature translational stop signal (p.Arg245*) in the HPS6 gene. While this is not anticipated to result in nonsense mediated decay, it is expected to disrupt the last 531 amino acid(s) of the HPS6 protein. For these reasons, this variant has been classified as Pathogenic. This variant disrupts a region of the HPS6 protein in which other variant(s) (p.Gln305*) have been determined to be pathogenic (PMID: 19843503; Invitae). This suggests that this is a clinically significant region of the protein, and that variants that disrupt it are likely to be disease-causing. ClinVar contains an entry for this variant (Variation ID: 1422405). This variant has not been reported in the literature in individuals affected with HPS6-related conditions. This variant is not present in population databases (gnomAD no frequency).

Literature cited by the submitters: PubMed 19843503 (cited by Labcorp Genetics (formerly Invitae), Labcorp).